The following is an entry in ClinVar:

ClinVar aggregate classification (germline): Uncertain significance (1 of 4 stars; one submission).

Conditions:
Hereditary cancer-predisposing syndrome. Also called: Tumor predisposition; Hereditary neoplastic syndrome; Hereditary Cancer Syndrome; Neoplastic Syndromes, Hereditary. Identifiers: Orphanet 140162, MedGen C0027672, MeSH D009386, MONDO:0015356.

Submission:

Ambry Genetics
Classification: Uncertain significance for Hereditary cancer-predisposing syndrome. Last evaluated: 2026-04-22. Review status: criteria provided, single submitter. Criteria: Ambry Variant Classification Scheme 2023. Collection method: clinical testing. Allele origin: germline.
Comment: The c.7255_7256insTCA variant (also known as p.K2418_R2419insI), located in coding exon 48 of the ATM gene, results from an in-frame TCA insertion at nucleotide positions 7255 to 7256. This results in the insertion of an extra isoleucine residue between codons 2418 and 2419. This amino acid position is well conserved in available vertebrate species. In addition, this variant is predicted to be deleterious by in silico analysis (Choi Y et al. PLoS ONE. 2012; 7(10):e46688). Based on the available evidence, the clinical significance of this variant remains unclear.

NM_000051.4(ATM):c.7255_7256insTCA (p.Lys2418_Arg2419insIle)

Genes: ATM (ATM serine/threonine kinase; plus strand), C11orf65 (chromosome 11 open reading frame 65; minus strand). Cytogenetic location: 11q22.3.
Variant type: Insertion.
Coding change: c.7255_7256insTCA on transcript NM_000051.4 (MANE Select); coding-DNA positions 7255 to 7256, TCA inserted.
Protein change: p.Lys2418_Arg2419insIle.
Molecular consequence: inframe insertion. On other transcripts: intron variant (2).
Genome position: GRCh38 VCF-style: chr11-108329185-A-AATC. GRCh37 (hg19) VCF-style: chr11-108199912-A-AATC.
Other names: c.7255_7256insTCA, p.Lys2418_Arg2419insIle (NM_001351834.2); c.641-20115_641-20114insTGA (NM_001330368.2); c.*38+6034_*38+6035insTGA (NM_001351110.2).
Identifiers: ClinVar variation 4866268 (VCV004866268.1).